The following is an entry in ClinVar:

NM_003742.4(ABCB11):c.1638G>T (p.Gln546His)

Gene: ABCB11 (ATP binding cassette subfamily B member 11; minus strand). Cytogenetic location: 2q31.1.
Variant type: single nucleotide variant.
Coding change: c.1638G>T on transcript NM_003742.4 (MANE Select); coding-DNA position 1638, G replaced by T.
Protein change: p.Gln546His; replaces glutamine 546 with histidine.
Molecular consequence: missense variant.
Genome position (GRCh38, 1-based): chr2:168,971,847, C>A on the plus strand (G>T on the coding strand, the complement: ABCB11 is on the minus strand). VCF-style: chr2-168971847-C-A. GRCh37 (hg19) VCF-style: chr2-169828357-C-A.
Other names: short protein forms Q546H.
Identifiers: ClinVar variation 4846129 (VCV004846129.1).

ClinVar aggregate classification (germline): Uncertain significance (1 of 4 stars; one submission).

Conditions:
Familial intrahepatic cholestasis. Identifiers: Orphanet 284385, MedGen CN296401, MONDO:0017290.

Submission:

Genomenon, Inc
Classification: Uncertain significance for Familial intrahepatic cholestasis. Last evaluated: 2026-04-14. Review status: criteria provided, single submitter. Criteria: Genomenon Sequence Variant Interpretation Standards - Updated. Collection method: curation. Allele origin: germline. Affected: yes.
Comment: ABCB11 p.Gln546His (c.1638G>T) is a missense variant that changes the amino acid at residue 546 from Glutamine to Histidine. This variant has been observed in at least one proband with an ABCB11-related disorder (PMID:26382629). A de novo occurrence of this variant has been observed in at least one affected individual (PMID:26382629). It is absent or not present at a significant frequency in gnomAD. In silico models predict that this variant is possibly or probably damaging. In conclusion, we classify ABCB11 p.Gln546His (c.1638G>T) as a variant of uncertain significance.

Literature cited by the submitters: PubMed 26382629.